The following is an entry in ClinVar:

NM_016343.4(CENPF):c.6750C>G (p.Ile2250Met)

Gene: CENPF (centromere protein F; plus strand). Cytogenetic location: 1q41.
Variant type: single nucleotide variant.
Coding change: c.6750C>G on transcript NM_016343.4 (MANE Select); coding-DNA position 6750, C replaced by G.
Protein change: p.Ile2250Met; replaces isoleucine 2250 with methionine.
Molecular consequence: missense variant.
Genome position (GRCh38, 1-based): chr1:214,646,320, C>G. VCF-style: chr1-214646320-C-G. GRCh37 (hg19) VCF-style: chr1-214819663-C-G.
Other names: c.6750C>G (NM_016343.3); short protein forms I2250M.
Identifiers: ClinVar variation 2639894 (VCV002639894.24), dbSNP rs747802606, ClinGen allele CA1391007.
Genomic context (GRCh38, chr1:214,646,320, plus strand): 5'-CAAGTTACTCTCTTCATTTAAAAGTCTGTTAGAAGAAAAGGAGCAAGCAGAGATACAGAT[C>G]AAAGAAGAATCTAAAACTGCAGTGGAGATGCTTCAGAATCAGTTAAAGGAGCTAAATGAG-3'
Protein context (NP_057427.3, residues 2240-2260): LEEKEQAEIQ[Ile2250Met]KEESKTAVEM

ClinVar aggregate classification (germline): Conflicting classifications of pathogenicity. Review status: criteria provided, conflicting classifications (1 of 4 stars). 2 submissions from 2 submitters: Uncertain significance (1); Likely benign (1). Last evaluated 2025-11-11.

Conditions:
Inborn genetic diseases. Identifiers: MedGen C0950123, MeSH D030342.

Allele frequency attached by ClinVar (database versions not stated): gnomAD exomes below 0.00001; ExAC 0.00001.

Submissions (2):

Ambry Genetics
Classification: Likely benign for Inborn genetic diseases. Last evaluated: 2025-11-11. Review status: criteria provided, single submitter. Criteria: Ambry Variant Classification Scheme 2023. Collection method: clinical testing. Allele origin: germline.

CeGaT Center for Human Genetics Tuebingen
Classification: Uncertain significance. Last evaluated: 2023-07-01. Review status: criteria provided, single submitter. Criteria: CeGaT Center For Human Genetics Tuebingen Variant Classification Criteria Version 2. Collection method: clinical testing. Allele origin: germline. Affected: yes. Observed: 1 variant allele.
Comment: CENPF: PM2, PM3:Supporting, BP4